The following is an entry in ClinVar:

ClinVar aggregate classification (germline): Likely benign (1 of 4 stars; one submission).

Allele frequency attached by ClinVar (database versions not stated): 1000 Genomes Project 0.00100; 1000 Genomes Project 30x 0.00125; gnomAD exomes 0.00193; ESP Exome Variant Server 0.00232; ExAC 0.00262.
gnomAD v4.1: 3,374 of 1,613,352 alleles (0.21%); highest among the groups gnomAD compares: Middle Eastern, 1.3%; 37 homozygotes.

Submission:

CeGaT Center for Human Genetics Tuebingen
Classification: Likely benign. Last evaluated: 2024-12-01. Review status: criteria provided, single submitter. Criteria: CeGaT Center For Human Genetics Tuebingen Variant Classification Criteria Version 2. Collection method: clinical testing. Allele origin: germline. Affected: yes. Observed: 2 variant alleles.
Comment: KIF26B: BP4

NM_018012.4(KIF26B):c.4064C>G (p.Ala1355Gly)

Gene: KIF26B (kinesin family member 26B; plus strand). Cytogenetic location: 1q44.
Variant type: single nucleotide variant.
Coding change: c.4064C>G on transcript NM_018012.4 (MANE Select); coding-DNA position 4064, C replaced by G.
Protein change: p.Ala1355Gly; replaces alanine 1355 with glycine.
Molecular consequence: missense variant.
Genome position (GRCh38, 1-based): chr1:245,687,047, C>G. VCF-style: chr1-245687047-C-G. GRCh37 (hg19) VCF-style: chr1-245850349-C-G.
Other names: short protein forms A1355G.
Identifiers: ClinVar variation 2640231 (VCV002640231.24), dbSNP rs190878095, ClinGen allele CA1488387.